The following is an entry in ClinVar:

ClinVar aggregate classification (germline): Likely benign (1 of 4 stars; one submission).

Submission:

CeGaT Center for Human Genetics Tuebingen
Classification: Likely benign. Last evaluated: 2022-11-01. Review status: criteria provided, single submitter. Criteria: CeGaT Center For Human Genetics Tuebingen Variant Classification Criteria Version 2. Collection method: clinical testing. Allele origin: germline. Affected: yes. Observed: 1 variant allele.
Comment: CBX2: PM2:Supporting, BP4, BP7

NM_005189.3(CBX2):c.288+147T>G

Gene: CBX2 (chromobox 2; plus strand). Cytogenetic location: 17q25.3.
Variant type: single nucleotide variant.
Coding change: c.288+147T>G on transcript NM_005189.3 (MANE Select); 147 bases into the intron after coding-DNA position 288, T replaced by G.
Molecular consequence: intron variant. On other transcripts: synonymous variant (1).
Genome position (GRCh38, 1-based): chr17:79,781,948, T>G. VCF-style: chr17-79781948-T-G. GRCh37 (hg19) VCF-style: chr17-77755747-T-G.
Other names: c.435T>G, p.Pro145= (NM_032647.4).
Identifiers: ClinVar variation 2648388 (VCV002648388.24), dbSNP rs782355693, ClinGen allele CA2277648856.